The following is an entry in ClinVar:

ClinVar aggregate classification (germline): Likely benign. Review status: criteria provided, multiple submitters, no conflicts (2 of 4 stars). 16 submissions from 16 submitters: Likely benign (9). 7 of the submissions do not count toward it. Last evaluated 2026-09-01.

Conditions:
TTN-related disorder. Also called: TTN-related disorders; TTN-related condition; TTN-related disease.
Hypertrophic cardiomyopathy. Also called: HYPERTROPHIC MYOCARDIOPATHY. Identifiers: Orphanet 217569, MedGen C0007194, MeSH D002312, MONDO:0005045, HP:0001639.

Allele frequency attached by ClinVar (database versions not stated): ESP Exome Variant Server 0.00285; 1000 Genomes Project 0.00120; gnomAD 0.00253 and 0.00258; gnomAD exomes 0.00300; TOPMed 0.00232; ExAC 0.00293; 1000 Genomes Project 30x 0.00109.
gnomAD v4.1: 4,716 of 1,612,668 alleles (0.29%); highest among the groups gnomAD compares: Middle Eastern, 0.48%; 9 homozygotes.

Submissions (16):

CeGaT Center for Human Genetics Tuebingen
Classification: Likely benign. Last evaluated: 2026-09-01. Review status: criteria provided, single submitter. Criteria: CeGaT Center For Human Genetics Tuebingen Variant Classification Criteria Version 2. Collection method: clinical testing. Allele origin: germline. Affected: yes. Observed: 33 variant alleles.
Comment: TTN: BP4, BS2

Molecular Diagnostic Laboratory for Inherited Cardiovascular Disease, Montreal Heart Institute
Classification: Likely benign. Last evaluated: 2025-07-24. Review status: criteria provided, single submitter. Criteria: ACMG Guidelines, 2015. Collection method: clinical testing. Allele origin: germline. Affected: no.

Blueprint Genetics
Classification: Likely benign. Last evaluated: 2024-11-26. Review status: criteria provided, single submitter. Criteria: ACMG Guidelines, 2015. Collection method: clinical testing. Allele origin: germline.

ARUP Laboratories, Molecular Genetics and Genomics, ARUP Laboratories
Classification: Likely benign. Last evaluated: 2021-08-15. Review status: criteria provided, single submitter. Criteria: ARUP Molecular Germline Variant Investigation Process 2021. Collection method: clinical testing. Allele origin: germline.

GeneDx
Classification: Likely benign. Last evaluated: 2021-02-26. Review status: criteria provided, single submitter. Criteria: GeneDx Variant Classification Process June 2021. Collection method: clinical testing. Allele origin: germline. Affected: yes.

Eurofins Ntd Llc (ga)
Classification: Likely benign. Last evaluated: 2015-11-19. Review status: criteria provided, single submitter. Criteria: EGL Classification Definitions 2015. Collection method: clinical testing. Allele origin: germline. Observed: 1 variant allele, 1 heterozygote.

Biesecker Lab/Clinical Genomics Section, National Institutes of Health
Classification: Likely benign. Last evaluated: 2013-06-24. Review status: criteria provided, single submitter. Criteria: Ng et al. (Circ Cardiovasc Genet. 2013). Collection method: research. Allele origin: unknown. Observed: 5 variant alleles. Study: ClinSeq.
Comment: The study set was not selected for affection status in relation to any cancer. Pathogenicity categories were based on literature curation. See Pubmed ID:23861362 for details.

Medical sequencing

Laboratory for Molecular Medicine, Mass General Brigham Personalized Medicine
Classification: Likely benign. Last evaluated: 2012-02-10. Review status: criteria provided, single submitter. Criteria: LMM Criteria. Collection method: clinical testing. Allele origin: germline. Observed: 5 variant alleles.
Comment: p.Cys5387Tyr in exon 45A of TTN: This variant is not expected to have clinical s ignificance because it has been identified in 0.4% (28/7016) of European America n chromosomes by the NHLBI Exome Sequencing Project (u/EVS; dbSNP rs72648913).

Genetics and Genomics Program, Sidra Medicine
Classification: Likely benign for Hypertrophic cardiomyopathy. Review status: criteria provided, single submitter. Criteria: ACMG Guidelines, 2015. Collection method: research. Allele origin: unknown. Affected: yes. Observed: 1 variant allele.

PreventionGenetics, part of Exact Sciences
Classification: Likely benign for TTN-related condition. Last evaluated: 2019-08-13. Review status: no assertion criteria provided. Collection method: clinical testing. Allele origin: germline. Not counted in ClinVar's aggregate classification.
Comment: This variant is classified as likely benign based on ACMG/AMP sequence variant interpretation guidelines (Richards et al. 2015 PMID: 25741868, with internal and published modifications).

Clinical Genetics DNA and cytogenetics Diagnostics Lab, Erasmus MC, Erasmus Medical Center
Classification: Likely benign. Review status: no assertion criteria provided. Collection method: clinical testing. Allele origin: germline. Affected: yes. Study: VKGL Data-share Consensus. Not counted in ClinVar's aggregate classification.

Clinical Genetics, Academic Medical Center
Classification: Benign. Review status: no assertion criteria provided. Collection method: clinical testing. Allele origin: germline. Affected: yes. Study: VKGL Data-share Consensus. Not counted in ClinVar's aggregate classification.

Diagnostic Laboratory, Department of Genetics, University Medical Center Groningen
Classification: Likely benign. Review status: no assertion criteria provided. Collection method: clinical testing. Allele origin: germline. Affected: yes. Study: VKGL Data-share Consensus. Not counted in ClinVar's aggregate classification.

Genome Diagnostics Laboratory, University Medical Center Utrecht
Classification: Likely benign. Review status: no assertion criteria provided. Collection method: clinical testing. Allele origin: germline. Affected: yes. Study: VKGL Data-share Consensus. Not counted in ClinVar's aggregate classification.

Joint Genome Diagnostic Labs from Nijmegen and Maastricht, Radboudumc and MUMC+
Classification: Likely benign. Review status: no assertion criteria provided. Collection method: clinical testing. Allele origin: germline. Affected: yes. Study: VKGL Data-share Consensus. Not counted in ClinVar's aggregate classification.

Laboratory of Diagnostic Genome Analysis, Leiden University Medical Center (LUMC)
Classification: Likely benign. Review status: no assertion criteria provided. Collection method: clinical testing. Allele origin: germline. Affected: yes. Study: VKGL Data-share Consensus. Not counted in ClinVar's aggregate classification.

NM_133379.5(TTN):c.16160G>A (p.Cys5387Tyr)

Gene: TTN (titin; minus strand). Cytogenetic location: 2q31.2.
Variant type: single nucleotide variant.
Coding change: c.16160G>A on transcript NM_133379.5; coding-DNA position 16160, G replaced by A.
Protein change: p.Cys5387Tyr; replaces cysteine 5387 with tyrosine.
Molecular consequence: missense variant. On other transcripts: intron variant (6).
Genome position (GRCh38, 1-based): chr2:178,746,240, C>T on the plus strand (G>A on the coding strand, the complement: TTN is on the minus strand). VCF-style: chr2-178746240-C-T. GRCh37 (hg19) VCF-style: chr2-179610967-C-T.
Other names: p.C5387Y:TGT>TAT; c.10360+6884G>A (NM_133378.4); c.10361-4319G>A (NM_001256850.1); c.10223-4319G>A (NM_003319.4); c.10799-4319G>A (NM_133437.4); c.10598-4319G>A (NM_133432.3); c.11312-4319G>A (NM_001267550.2); short protein forms C5387Y.
Identifiers: ClinVar variation 47795 (VCV000047795.70), dbSNP rs72648913, ClinGen allele CA141916.